The following is an entry in ClinVar:

ClinVar aggregate classification (germline): Uncertain significance (1 of 4 stars; one submission).

Allele frequency attached by ClinVar (database versions not stated): TOPMed 0.00001.
gnomAD v4.1: 4 of 1,564,912 alleles (0.00026%); highest among the groups gnomAD compares: Admixed American, 0.0076%; no homozygotes.

Submission:

Labcorp Genetics (formerly Invitae), Labcorp
Classification: Uncertain significance. Last evaluated: 2022-06-13. Review status: criteria provided, single submitter. Criteria: Invitae Variant Classification Sherloc (09022015). Collection method: clinical testing. Allele origin: germline.
Comment: This sequence change replaces isoleucine, which is neutral and non-polar, with valine, which is neutral and non-polar, at codon 244 of the MLC1 protein (p.Ile244Val). This variant is present in population databases (no rsID available, gnomAD 0.02%). This variant has not been reported in the literature in individuals affected with MLC1-related conditions. Algorithms developed to predict the effect of missense changes on protein structure and function are either unavailable or do not agree on the potential impact of this missense change (SIFT: "Tolerated"; PolyPhen-2: "Probably Damaging"; Align-GVGD: "Class C0"). Algorithms developed to predict the effect of sequence changes on RNA splicing suggest that this variant may create or strengthen a splice site. In summary, the available evidence is currently insufficient to determine the role of this variant in disease. Therefore, it has been classified as a Variant of Uncertain Significance.

NM_015166.4(MLC1):c.730A>G (p.Ile244Val)

Gene: MLC1 (modulator of VRAC current 1; minus strand). Cytogenetic location: 22q13.33.
Variant type: single nucleotide variant.
Coding change: c.730A>G on transcript NM_015166.4 (MANE Select); coding-DNA position 730, A replaced by G.
Protein change: p.Ile244Val; replaces isoleucine 244 with valine.
Molecular consequence: missense variant. On other transcripts: non-coding transcript variant (3), intron variant (1).
Genome position (GRCh38, 1-based): chr22:50,070,568, T>C on the plus strand (A>G on the coding strand, the complement: MLC1 is on the minus strand). VCF-style: chr22-50070568-T-C. GRCh37 (hg19) VCF-style: chr22-50508997-T-C.
Other names: c.730A>G, p.Ile244Val (NM_001376472.1, NM_001376473.1, NM_001376474.1 and 5 more transcripts); c.640A>G, p.Ile214Val (NM_001376480.1); c.628A>G, p.Ile210Val (NM_001376481.1); c.574A>G, p.Ile192Val (NM_001376482.1, NM_001376483.1); c.493A>G, p.Ile165Val (NM_001376484.1); c.715-2013A>G (NM_001376479.1); short protein forms I210V, I165V, I192V, I214V, I244V.
Identifiers: ClinVar variation 1931464 (VCV001931464.2), dbSNP rs1218490866, ClinGen allele CA412108267.